The following is an entry in ClinVar:

NM_003620.4(PPM1D):c.1616_1620del (p.Glu539fs)

Gene: PPM1D (protein phosphatase, Mg2+/Mn2+ dependent 1D; plus strand). Cytogenetic location: 17q23.2.
Variant type: Deletion.
Coding change: c.1616_1620del on transcript NM_003620.4 (MANE Select); coding-DNA positions 1616 to 1620, 5 bases deleted (AAGAG; older notation c.1616_1620delAAGAG).
Protein change: p.Glu539fs; shifts the reading frame from glutamic acid 539.
Molecular consequence: frameshift variant.
Genome position (GRCh38, 1-based): chr17:60,663,350-60,663,354, AAGAG deleted; deleting any 5 consecutive bases within chr17:60,663,348-60,663,354 gives the same sequence; the c. name uses the placement nearest the transcript's 3' end. VCF-style (leftmost placement, unchanged base first): chr17-60663347-TAGAAG-T. GRCh37 (hg19) VCF-style: chr17-58740708-TAGAAG-T.
Other names: short protein forms E539fs.
Identifiers: ClinVar variation 2114423 (VCV002114423.4), dbSNP rs2544470591, ClinGen allele CA2580094569.

ClinVar aggregate classification (germline): Uncertain significance (1 of 4 stars; one submission).

Submission:

Labcorp Genetics (formerly Invitae), Labcorp
Classification: Uncertain significance. Last evaluated: 2024-05-06. Review status: criteria provided, single submitter. Criteria: Invitae Variant Classification Sherloc (09022015). Collection method: clinical testing. Allele origin: germline.
Comment: This sequence change creates a premature translational stop signal (p.Glu539Valfs*11) in the PPM1D gene. While this is not anticipated to result in nonsense mediated decay, it is expected to disrupt the last 67 amino acid(s) of the PPM1D protein. This variant is not present in population databases (gnomAD no frequency). This variant has not been reported in the literature in individuals affected with PPM1D-related conditions. ClinVar contains an entry for this variant (Variation ID: 2114423). Experimental studies and prediction algorithms are not available or were not evaluated, and the functional significance of this variant is currently unknown. In summary, the available evidence is currently insufficient to determine the role of this variant in disease. Therefore, it has been classified as a Variant of Uncertain Significance.